The following is an entry in ClinVar:

ClinVar aggregate classification (germline): Uncertain significance (1 of 4 stars; one submission).

Conditions:
CEBPE-related disorder. Also called: CEBPE-related condition.

Submission:

PreventionGenetics, part of Exact Sciences
Classification: Uncertain significance for CEBPE-related condition. Last evaluated: 2026-08-18. Review status: criteria provided, single submitter. Criteria: ACMG Guidelines, 2015. Collection method: clinical testing. Allele origin: germline.
Comment: The CEBPE c.832G>A variant is predicted to result in the amino acid substitution p.Gly278Arg. To our knowledge, this variant has not been reported in the literature or in a large population database (gnomAD), indicating this variant is rare. At this time, the clinical significance of this variant is uncertain due to the absence of conclusive functional and genetic evidence.

NM_001805.4(CEBPE):c.832G>A (p.Gly278Arg)

Gene: CEBPE (CCAAT enhancer binding protein epsilon; minus strand). Cytogenetic location: 14q11.2.
Variant type: single nucleotide variant.
Coding change: c.832G>A on transcript NM_001805.4 (MANE Select); coding-DNA position 832, G replaced by A.
Protein change: p.Gly278Arg; replaces glycine 278 with arginine.
Molecular consequence: missense variant.
Genome position (GRCh38, 1-based): chr14:23,117,501, C>T on the plus strand (G>A on the coding strand, the complement: CEBPE is on the minus strand). VCF-style: chr14-23117501-C-T. GRCh37 (hg19) VCF-style: chr14-23586710-C-T.
Other names: short protein forms G278R.
Identifiers: ClinVar variation 4994484 (VCV004994484.1).